The following is an entry in ClinVar:

NM_000051.4(ATM):c.7789-22_7789-18del

Genes: ATM (ATM serine/threonine kinase; plus strand), C11orf65 (chromosome 11 open reading frame 65; minus strand). Cytogenetic location: 11q22.3.
Variant type: Deletion.
Coding change: c.7789-22_7789-18del on transcript NM_000051.4 (MANE Select); 22 bases into the intron before coding-DNA position 7789 through 18 bases into the intron before coding-DNA position 7789, 5 bases deleted (GTTTT; older notation c.7789-22_7789-18delGTTTT).
Molecular consequence: intron variant.
Genome position (GRCh38, 1-based): chr11:108,332,740-108,332,744, GTTTT deleted; deleting any 5 consecutive bases within chr11:108,332,739-108,332,744 gives the same sequence; the c. name uses the placement nearest the transcript's 3' end. VCF-style (leftmost placement, unchanged base first): chr11-108332738-ATGTTT-A. GRCh37 (hg19) VCF-style: chr11-108203465-ATGTTT-A.
Other names: c.7789-22_7789-18del (NM_001351834.2); c.641-23672_641-23668del (NM_001330368.2); c.*38+2477_*38+2481del (NM_001351110.2).
Identifiers: ClinVar variation 2870618 (VCV002870618.3), dbSNP rs2547296868, ClinGen allele CA2739266009.

ClinVar aggregate classification (germline): Uncertain significance (1 of 4 stars; one submission).

Conditions:
Ataxia-telangiectasia syndrome (AT). Also called: ATAXIA-TELANGIECTASIA, COMPLEMENTATION GROUP A; ATAXIA-TELANGIECTASIA, FRESNO VARIANT; Ataxia-telangiectasia; Ataxia-telangiectasia, complementation group E; LOUIS-BAR SYNDROME; Cerebello-oculocutaneous telangiectasia. Identifiers: Orphanet 100, MedGen C0004135, MONDO:0008840, OMIM 208900.

Submission:

Labcorp Genetics (formerly Invitae), Labcorp
Classification: Uncertain significance for Ataxia-telangiectasia syndrome. Last evaluated: 2025-06-16. Review status: criteria provided, single submitter. Criteria: Invitae Variant Classification Sherloc (09022015). Collection method: clinical testing. Allele origin: germline.
Comment: This sequence change falls in intron 52 of the ATM gene. It does not directly change the encoded amino acid sequence of the ATM protein. This variant is not present in population databases (gnomAD no frequency). This variant has not been reported in the literature in individuals affected with ATM-related conditions. ClinVar contains an entry for this variant (Variation ID: 2870618). Algorithms developed to predict the effect of sequence changes on RNA splicing suggest that this variant may disrupt the consensus splice site. In summary, the available evidence is currently insufficient to determine the role of this variant in disease. Therefore, it has been classified as a Variant of Uncertain Significance.